The following is an entry in ClinVar:

ClinVar aggregate classification (germline): Uncertain significance (1 of 4 stars; one submission).

Allele frequency attached by ClinVar (database versions not stated): gnomAD 0.00001; TOPMed 0.00001.
gnomAD v4.1: 18 of 1,607,940 alleles (0.0011%); highest among the groups gnomAD compares: Non-Finnish European, 0.0015%; no homozygotes.

Submission:

Labcorp Genetics (formerly Invitae), Labcorp
Classification: Uncertain significance. Last evaluated: 2023-03-01. Review status: criteria provided, single submitter. Criteria: Invitae Variant Classification Sherloc (09022015). Collection method: clinical testing. Allele origin: germline.
Comment: This sequence change replaces glycine, which is neutral and non-polar, with glutamic acid, which is acidic and polar, at codon 21 of the MAPKAPK3 protein (p.Gly21Glu). This variant is present in population databases (no rsID available, gnomAD 0.002%). This variant has not been reported in the literature in individuals affected with MAPKAPK3-related conditions. Algorithms developed to predict the effect of missense changes on protein structure and function output the following: SIFT: "Not Available"; PolyPhen-2: "Benign"; Align-GVGD: "Not Available". The glutamic acid amino acid residue is found in multiple mammalian species, which suggests that this missense change does not adversely affect protein function. In summary, the available evidence is currently insufficient to determine the role of this variant in disease. Therefore, it has been classified as a Variant of Uncertain Significance.

NM_001243925.2(MAPKAPK3):c.62G>A (p.Gly21Glu)

Gene: MAPKAPK3 (MAPK activated protein kinase 3; plus strand). Cytogenetic location: 3p21.2.
Variant type: single nucleotide variant.
Coding change: c.62G>A on transcript NM_001243925.2 (MANE Select); coding-DNA position 62, G replaced by A.
Protein change: p.Gly21Glu; replaces glycine 21 with glutamic acid.
Molecular consequence: missense variant.
Genome position (GRCh38, 1-based): chr3:50,617,627, G>A. VCF-style: chr3-50617627-G-A. GRCh37 (hg19) VCF-style: chr3-50655058-G-A.
Other names: c.62G>A, p.Gly21Glu (NM_001243926.2, NM_004635.5); short protein forms G21E.
Identifiers: ClinVar variation 2726647 (VCV002726647.3), dbSNP rs776254646, ClinGen allele CA352961395.